The following is an entry in ClinVar:

NM_000051.4(ATM):c.4777-14A>G

Gene: ATM (ATM serine/threonine kinase; plus strand). Cytogenetic location: 11q22.3.
Variant type: single nucleotide variant.
Coding change: c.4777-14A>G on transcript NM_000051.4 (MANE Select); 14 bases into the intron before coding-DNA position 4777, A replaced by G.
Molecular consequence: intron variant.
Genome position (GRCh38, 1-based): chr11:108,294,913, A>G. VCF-style: chr11-108294913-A-G. GRCh37 (hg19) VCF-style: chr11-108165640-A-G.
Other names: c.4777-14A>G (NM_001351834.2).
Identifiers: ClinVar variation 3002935 (VCV003002935.4), dbSNP rs1301289915, ClinGen allele CA601721459.

ClinVar aggregate classification (germline): Likely benign. Review status: criteria provided, multiple submitters, no conflicts (2 of 4 stars). 2 submissions from 2 submitters: Likely benign (2). Last evaluated 2024-12-02.

Conditions:
Ataxia-telangiectasia syndrome (AT). Also called: LOUIS-BAR SYNDROME; Cerebello-oculocutaneous telangiectasia; Immunodeficiency with ataxia telangiectasia; Ataxia-telangiectasia, complementation group D; Ataxia-telangiectasia, complementation group E; Ataxia telangiectasia (A-T). Identifiers: Orphanet 100, MedGen C0004135, MONDO:0008840, OMIM 208900.
Familial cancer of breast. Also called: BREAST CANCER, FAMILIAL; Hereditary breast cancer; hereditary breast carcinoma. Identifiers: Orphanet 227535, MedGen C0346153, MONDO:0016419, OMIM 114480. Disease mechanism: loss of function.

Allele frequency attached by ClinVar (database versions not stated): gnomAD exomes below 0.00001; gnomAD 0.00001.
gnomAD v4.1: 3 of 1,613,212 alleles (0.00019%); highest among the groups gnomAD compares: South Asian, 0.0022%; no homozygotes.

Submissions (2):

Labcorp Genetics (formerly Invitae), Labcorp
Classification: Likely benign for Ataxia-telangiectasia syndrome. Last evaluated: 2024-12-02. Review status: criteria provided, single submitter. Criteria: Invitae Variant Classification Sherloc (09022015). Collection method: clinical testing. Allele origin: germline.

Myriad Genetics, Inc.
Classification: Likely benign for Familial cancer of breast. Last evaluated: 2024-05-21. Review status: criteria provided, single submitter. Criteria: Myriad Autosomal Dominant, Autosomal Recessive and X-Linked Classification Criteria (2023). Collection method: clinical testing. Allele origin: unknown.
Comment: This variant is considered likely benign. This variant is intronic and is not expected to impact mRNA splicing.